The following is an entry in ClinVar:

ClinVar aggregate classification (germline): Uncertain significance. Review status: criteria provided, multiple submitters, no conflicts (2 of 4 stars). 2 submissions from 2 submitters: Uncertain significance (2). Last evaluated 2024-06-16.

Conditions:
Hereditary cancer-predisposing syndrome. Also called: Hereditary Cancer Syndrome; Hereditary neoplastic syndrome; Tumor predisposition; Neoplastic Syndromes, Hereditary. Identifiers: Orphanet 140162, MedGen C0027672, MeSH D009386, MONDO:0015356.

Allele frequency attached by ClinVar (database versions not stated): TOPMed below 0.00001; gnomAD 0.00001.
gnomAD v4.1: 1 of 1,612,986 alleles (0.000062%); highest among the groups gnomAD compares: African/African-American, 0.0013%; no homozygotes.

Submissions (2):

GeneDx
Classification: Uncertain significance. Last evaluated: 2024-06-16. Review status: criteria provided, single submitter. Criteria: GeneDx Variant Classification Process June 2021. Collection method: clinical testing. Allele origin: germline. Affected: yes.
Comment: Not observed at significant frequency in large population cohorts (gnomAD); In silico analysis supports that this missense variant has a deleterious effect on protein structure/function; Has not been previously published as pathogenic or benign to our knowledge

Ambry Genetics
Classification: Uncertain significance for Hereditary cancer-predisposing syndrome. Last evaluated: 2022-01-10. Review status: criteria provided, single submitter. Criteria: Ambry Variant Classification Scheme 2023. Collection method: clinical testing. Allele origin: germline.
Comment: The p.P824H variant (also known as c.2471C>A), located in coding exon 21 of the TSC2 gene, results from a C to A substitution at nucleotide position 2471. The proline at codon 824 is replaced by histidine, an amino acid with similar properties. This amino acid position is highly conserved in available vertebrate species. In addition, this alteration is predicted to be deleterious by in silico analysis. Since supporting evidence is limited at this time, the clinical significance of this alteration remains unclear.

NM_000548.5(TSC2):c.2471C>A (p.Pro824His)

Gene: TSC2 (TSC complex subunit 2; plus strand). Cytogenetic location: 16p13.3.
Variant type: single nucleotide variant.
Coding change: c.2471C>A on transcript NM_000548.5 (MANE Select); coding-DNA position 2471, C replaced by A.
Protein change: p.Pro824His; replaces proline 824 with histidine.
Molecular consequence: missense variant.
Genome position (GRCh38, 1-based): chr16:2,074,315, C>A. VCF-style: chr16-2074315-C-A. GRCh37 (hg19) VCF-style: chr16-2124316-C-A.
Other names: c.2471C>A, p.Pro824His (NM_001077183.3, NM_001114382.3, NM_001363528.2 and 6 more transcripts); c.2360C>A, p.Pro787His (NM_001318827.2, NM_001406670.1, NM_001406678.1); c.2324C>A, p.Pro775His (NM_001318829.2, NM_001406675.1, NM_001406676.1 and 1 more transcripts); c.1871C>A, p.Pro624His (NM_001318831.2, NM_001406680.1, NM_001406682.1 and 6 more transcripts); c.2504C>A, p.Pro835His (NM_001318832.2); c.2561C>A, p.Pro854His (NM_001406667.1, NM_001406668.1); c.2459C>A, p.Pro820His (NM_001406671.1, NM_001406673.1); c.2414C>A, p.Pro805His (NM_001406677.1); and 3 more; short protein forms P290H, P624H, P670H, P824H, P854H, P376H, P805H, P787H.
Identifiers: ClinVar variation 1791785 (VCV001791785.3), dbSNP rs940077353, ClinGen allele CA276740867.